The following is an entry in ClinVar:

ClinVar aggregate classification (germline): Uncertain significance (1 of 4 stars; one submission).

Conditions:
KRT14-related disorder. Also called: KRT14-related condition.

Submission:

PreventionGenetics, part of Exact Sciences
Classification: Uncertain significance for KRT14-related condition. Last evaluated: 2025-08-30. Review status: criteria provided, single submitter. Criteria: ACMG Guidelines, 2015. Collection method: clinical testing. Allele origin: germline.
Comment: The KRT14 c.70_81dup12 variant is predicted to result in an in-frame duplication (p.Ile24_Gly27dup). To our knowledge, this variant has not been reported in the literature. This variant is reported in 0.016% of alleles in individuals of South Asian descent in gnomAD. At this time, the clinical significance of this variant is uncertain due to the absence of conclusive functional and genetic evidence.

NM_000526.5(KRT14):c.58ATCGGGGGCGGC[3] (p.Gly27_Ser28insIleGlyGlyGly)

Gene: KRT14 (keratin 14; minus strand). Cytogenetic location: 17q21.2.
Variant type: Microsatellite.
Coding change: c.58ATCGGGGGCGGC[3] on transcript NM_000526.5 (MANE Select); three copies in a row of the 12-base unit ATCGGGGGCGGC starting at c.58; the reference has two copies in a row; one copy, 12 bases duplicated.
Protein change: p.Gly27_Ser28insIleGlyGlyGly.
Molecular consequence: inframe insertion.
Genome position (GRCh38, 1-based): chr17:41,586,754-41,586,765, GCCGCCCCCGAT duplicated on the plus strand (ATCGGGGGCGGC on the coding strand, the reverse complement: KRT14 is on the minus strand); duplicating any 12 consecutive bases within chr17:41,586,754-41,586,782 gives the same sequence; the position shown is the placement nearest the transcript's 3' end. VCF-style (leftmost placement, unchanged base first): chr17-41586753-A-AGCCGCCCCCGAT. GRCh37 (hg19) VCF-style: chr17-39743005-A-AGCCGCCCCCGAT.
Identifiers: ClinVar variation 4979095 (VCV004979095.1).